The following is an entry in ClinVar:

ClinVar aggregate classification (germline): Uncertain significance. Review status: criteria provided, multiple submitters, no conflicts (2 of 4 stars). 3 submissions from 3 submitters: Uncertain significance (3). Last evaluated 2024-01-24.

Conditions:
Cardiovascular phenotype. Identifiers: MedGen CN230736.
DK1-congenital disorder of glycosylation. Also called: DK1-CDG; DOLK-congenital disorder of glycosylation; Carbohydrate deficient glycoprotein syndrome type 1m; CDG Im; DK1 DEFICIENCY; DOLICHOL KINASE DEFICIENCY. Identifiers: Orphanet 91131, MedGen C1835849, MONDO:0012556, OMIM 610768.

Allele frequency attached by ClinVar (database versions not stated): ExAC 0.00001; gnomAD exomes 0.00001; TOPMed 0.00001.
gnomAD v4.1: 6 of 1,614,146 alleles (0.00037%); highest among the groups gnomAD compares: Non-Finnish European, 0.00051%; no homozygotes.

Submissions (3):

Labcorp Genetics (formerly Invitae), Labcorp
Classification: Uncertain significance for DK1-congenital disorder of glycosylation. Last evaluated: 2024-01-24. Review status: criteria provided, single submitter. Criteria: Invitae Variant Classification Sherloc (09022015). Collection method: clinical testing. Allele origin: germline.
Comment: This sequence change replaces alanine, which is neutral and non-polar, with valine, which is neutral and non-polar, at codon 194 of the DOLK protein (p.Ala194Val). This variant is present in population databases (rs763132281, gnomAD 0.002%). This variant has not been reported in the literature in individuals affected with DOLK-related conditions. ClinVar contains an entry for this variant (Variation ID: 1374384). Advanced modeling of protein sequence and biophysical properties (such as structural, functional, and spatial information, amino acid conservation, physicochemical variation, residue mobility, and thermodynamic stability) performed at Invitae indicates that this missense variant is not expected to disrupt DOLK protein function with a negative predictive value of 80%. In summary, the available evidence is currently insufficient to determine the role of this variant in disease. Therefore, it has been classified as a Variant of Uncertain Significance.

Ambry Genetics
Classification: Uncertain significance for Cardiovascular phenotype. Last evaluated: 2023-09-30. Review status: criteria provided, single submitter. Criteria: Ambry Variant Classification Scheme 2023. Collection method: clinical testing. Allele origin: germline.
Comment: The p.A194V variant (also known as c.581C>T), located in coding exon 1 of the DOLK gene, results from a C to T substitution at nucleotide position 581. The alanine at codon 194 is replaced by valine, an amino acid with similar properties. This amino acid position is highly conserved in available vertebrate species. In addition, this alteration is predicted to be deleterious by in silico analysis. Since supporting evidence is limited at this time, the clinical significance of this alteration remains unclear.

Fulgent Genetics
Classification: Uncertain significance for DK1-congenital disorder of glycosylation. Last evaluated: 2021-11-12. Review status: criteria provided, single submitter. Criteria: ACMG Guidelines, 2015. Collection method: clinical testing. Allele origin: unknown.

NM_014908.4(DOLK):c.581C>T (p.Ala194Val)

Gene: DOLK (dolichol kinase; minus strand). Cytogenetic location: 9q34.11.
Variant type: single nucleotide variant.
Coding change: c.581C>T on transcript NM_014908.4 (MANE Select); coding-DNA position 581, C replaced by T.
Protein change: p.Ala194Val; replaces alanine 194 with valine.
Molecular consequence: missense variant.
Genome position (GRCh38, 1-based): chr9:128,946,723, G>A on the plus strand (C>T on the coding strand, the complement: DOLK is on the minus strand). VCF-style: chr9-128946723-G-A. GRCh37 (hg19) VCF-style: chr9-131709002-G-A.
Other names: short protein forms A194V.
Identifiers: ClinVar variation 1374384 (VCV001374384.7), dbSNP rs763132281, ClinGen allele CA5271715.